The following is an entry in ClinVar:

ClinVar aggregate classification (germline): Uncertain significance. Review status: criteria provided, multiple submitters, no conflicts (2 of 4 stars). 2 submissions from 2 submitters: Uncertain significance (2). Last evaluated 2025-03-18.

Conditions:
Long QT syndrome (LQTS). Identifiers: MedGen C0023976, MeSH D008133, MONDO:0002442. Disease mechanism: loss of function. Inheritance: Various modes of inheritance.

Allele frequency attached by ClinVar (database versions not stated): ExAC 0.00002.
gnomAD v4.1: 13 of 1,608,626 alleles (0.00081%); highest among the groups gnomAD compares: East Asian, 0.0022%; no homozygotes.

Submissions (2):

Ambry Genetics
Classification: Uncertain significance. Last evaluated: 2025-03-18. Review status: criteria provided, single submitter. Criteria: Ambry Variant Classification Scheme 2023. Collection method: clinical testing. Allele origin: germline.

Dept of Medical Biology, Uskudar University
Classification: Uncertain significance for Long QT syndrome. Last evaluated: 2024-01-08. Review status: criteria provided, single submitter. Criteria: Dept of Medical Biology Variant Classification. Collection method: research. Allele origin: paternal. Affected: yes. Observed: 1 variant allele.
Comment: Criteria: PM2

NM_001377540.1(SLMAP):c.1431C>G (p.Asp477Glu)

Gene: SLMAP (sarcolemma associated protein; plus strand). Cytogenetic location: 3p14.3.
Variant type: single nucleotide variant.
Coding change: c.1431C>G on transcript NM_001377540.1 (MANE Select); coding-DNA position 1431, C replaced by G.
Protein change: p.Asp477Glu; replaces aspartic acid 477 with glutamic acid.
Molecular consequence: missense variant. On other transcripts: 5 prime UTR variant (7), non-coding transcript variant (1).
Genome position (GRCh38, 1-based): chr3:57,896,581, C>G. VCF-style: chr3-57896581-C-G. GRCh37 (hg19) VCF-style: chr3-57882308-C-G.
Other names: c.1380C>G, p.Asp460Glu (NM_001304420.3, NM_001377541.1, NM_001377542.1 and 2 more transcripts); c.1266C>G, p.Asp422Glu (NM_001304421.2, NM_001377557.1, NM_001377559.1 and 1 more transcripts); c.-19C>G (NM_001304422.3, NM_001304423.3, NM_001311178.2 and 4 more transcripts); c.1431C>G, p.Asp477Glu (NM_001377538.1, NM_001377539.1, NM_001377555.1); c.1368C>G, p.Asp456Glu (NM_001377545.1, NM_001377922.1); c.1329C>G, p.Asp443Glu (NM_001377549.1, NM_001377923.1, NM_007159.5); c.1317C>G, p.Asp439Glu (NM_001377551.1, NM_001377552.1, NM_001377924.1); c.1329C>G (NM_007159.2); short protein forms D422E, D439E, D443E, D456E, D460E, D477E.
Identifiers: ClinVar variation 2574024 (VCV002574024.4), dbSNP rs759267993, ClinGen allele CA2467127.